The following is an entry in ClinVar:

ClinVar aggregate classification (germline): Conflicting classifications of pathogenicity. Review status: criteria provided, conflicting classifications (1 of 4 stars). 2 submissions from 2 submitters: Uncertain significance (1); Likely benign (1). Last evaluated 2024-06-01.

Allele frequency attached by ClinVar (database versions not stated): ExAC 0.00002; gnomAD exomes 0.00002; gnomAD 0.00003; TOPMed 0.00004.
gnomAD v4.1: 39 of 1,614,036 alleles (0.0024%); highest among the groups gnomAD compares: Middle Eastern, 0.016%; no homozygotes.

Submissions (2):

CeGaT Center for Human Genetics Tuebingen
Classification: Likely benign. Last evaluated: 2024-06-01. Review status: criteria provided, single submitter. Criteria: CeGaT Center For Human Genetics Tuebingen Variant Classification Criteria Version 2. Collection method: clinical testing. Allele origin: germline. Affected: yes. Observed: 1 variant allele.
Comment: LETM1: BP4

Labcorp Genetics (formerly Invitae), Labcorp
Classification: Uncertain significance. Last evaluated: 2022-09-27. Review status: criteria provided, single submitter. Criteria: Invitae Variant Classification Sherloc (09022015). Collection method: clinical testing. Allele origin: germline.
Comment: This sequence change replaces glycine, which is neutral and non-polar, with serine, which is neutral and polar, at codon 71 of the LETM1 protein (p.Gly71Ser). The frequency data for this variant in the population databases is considered unreliable, as metrics indicate poor data quality at this position in the gnomAD database. This variant has not been reported in the literature in individuals affected with LETM1-related conditions. Algorithms developed to predict the effect of missense changes on protein structure and function output the following: SIFT: "Tolerated"; PolyPhen-2: "Benign"; Align-GVGD: "Class C0". The serine amino acid residue is found in multiple mammalian species, which suggests that this missense change does not adversely affect protein function. In summary, the available evidence is currently insufficient to determine the role of this variant in disease. Therefore, it has been classified as a Variant of Uncertain Significance.

NM_012318.3(LETM1):c.211G>A (p.Gly71Ser)

Gene: LETM1 (leucine zipper and EF-hand containing transmembrane protein 1; minus strand). Cytogenetic location: 4p16.3.
Variant type: single nucleotide variant.
Coding change: c.211G>A on transcript NM_012318.3 (MANE Select); coding-DNA position 211, G replaced by A.
Protein change: p.Gly71Ser; replaces glycine 71 with serine.
Molecular consequence: missense variant.
Genome position (GRCh38, 1-based): chr4:1,841,730, C>T on the plus strand (G>A on the coding strand, the complement: LETM1 is on the minus strand). VCF-style: chr4-1841730-C-T. GRCh37 (hg19) VCF-style: chr4-1843457-C-T.
Other names: short protein forms G71S.
Identifiers: ClinVar variation 2140172 (VCV002140172.19), dbSNP rs750908839, ClinGen allele CA2811700.